The following is an entry in ClinVar:

ClinVar aggregate classification (germline): Pathogenic/Likely pathogenic. Review status: criteria provided, multiple submitters, no conflicts (2 of 4 stars). 2 submissions from 2 submitters: Pathogenic (1); Likely pathogenic (1). Last evaluated 2022-07-13.

Conditions:
Wilms tumor 1 (WT1). Also called: Wilms tumor, somatic. Identifiers: Orphanet 654, MedGen CN033288, MONDO:0008679, OMIM 194070.
Simpson-Golabi-Behmel syndrome type 1 (SGBS1). Also called: BULLDOG SYNDROME; DYSPLASIA GIGANTISM SYNDROME, X-LINKED; GOLABI-ROSEN SYNDROME; GPC3-Related Simpson-Golabi-Behmel Syndrome Type 1; SIMPSON DYSMORPHIA SYNDROME. Identifiers: Orphanet 373, MedGen C0796154, MONDO:0020602, OMIM 312870.

Submissions (2):

Labcorp Genetics (formerly Invitae), Labcorp
Classification: Pathogenic for Wilms tumor 1. Last evaluated: 2022-07-13. Review status: criteria provided, single submitter. Criteria: Invitae Variant Classification Sherloc (09022015). Collection method: clinical testing. Allele origin: germline.
Comment: This sequence change creates a premature translational stop signal (p.Gln91Serfs*13) in the GPC3 gene. It is expected to result in an absent or disrupted protein product. Loss-of-function variants in GPC3 are known to be pathogenic (PMID: 10402475, 12713262, 17603795). This variant is not present in population databases (gnomAD no frequency). This variant has not been reported in the literature in individuals affected with GPC3-related conditions. ClinVar contains an entry for this variant (Variation ID: 1333337). For these reasons, this variant has been classified as Pathogenic.

3billion
Classification: Likely pathogenic for Simpson-Golabi-Behmel syndrome type 1. Last evaluated: 2022-01-03. Review status: criteria provided, single submitter. Criteria: ACMG Guidelines, 2015. Collection method: clinical testing. Allele origin: germline. Affected: yes. Observed: 1 hemizygote.
Comment: Frameshift: predicted to result in a loss or disruption of normal protein function through nonsense-mediated decay (NMD) or protein truncation. Multiple pathogenic variants are reported downstream of the variant (PVS1_VS). It is not observed in the gnomAD v2.1.1 dataset (PM2_M). Therefore, this variant is classified as likely pathogenic according to the recommendation of ACMG/AMP guideline.

Literature cited by the submitters: PubMed 10402475 (cited by Labcorp Genetics (formerly Invitae), Labcorp); PubMed 12713262 (cited by Labcorp Genetics (formerly Invitae), Labcorp); PubMed 17603795 (cited by Labcorp Genetics (formerly Invitae), Labcorp).

NM_004484.4(GPC3):c.271del (p.Gln91fs)

Gene: GPC3 (glypican 3; minus strand). Cytogenetic location: Xq26.2.
Variant type: Deletion.
Coding change: c.271del on transcript NM_004484.4 (MANE Select); coding-DNA position 271, one base deleted (C; older notation c.271delC).
Protein change: p.Gln91fs; shifts the reading frame from glutamine 91.
Molecular consequence: frameshift variant. On other transcripts: intron variant (1).
Genome position (GRCh38, 1-based): chrX:133,953,116, G deleted on the plus strand (C on the coding strand, the reverse complement: GPC3 is on the minus strand). VCF-style (leftmost placement, unchanged base first): chrX-133953115-TG-T. GRCh37 (hg19) VCF-style: chrX-133087142-TG-T.
Other names: c.271del, p.Gln91fs (NM_001164617.2, NM_001164618.2); c.175+32159del (NM_001164619.2); short protein forms Q91fs.
Identifiers: ClinVar variation 1333337 (VCV001333337.6), dbSNP rs2124634791, ClinGen allele CA2573055111.